The following is an entry in ClinVar:

ClinVar aggregate classification (germline): Uncertain significance (1 of 4 stars; one submission).

Submission:

Labcorp Genetics (formerly Invitae), Labcorp
Classification: Uncertain significance. Last evaluated: 2022-10-17. Review status: criteria provided, single submitter. Criteria: Invitae Variant Classification Sherloc (09022015). Collection method: clinical testing. Allele origin: germline.
Comment: A copy number gain of the genomic region encompassing the full coding sequence of the DGKZ gene has been identified. The boundaries of this event are unknown as they extend beyond the assayed region for this gene and therefore may encompass additional genes. As the precise location of this event is unknown, it may be in tandem or it may be located elsewhere in the genome. This variant has not been reported in the literature in individuals affected with DGKZ-related conditions. In summary, the available evidence is currently insufficient to determine the role of this variant in disease. Therefore, it has been classified as a Variant of Uncertain Significance.

NC_000011.9:g.(?_46387807)_(46401497_?)dup

Gene: DGKZ (diacylglycerol kinase zeta; plus strand). Cytogenetic location: 11p11.2.
Variant type: Duplication.
Identifiers: ClinVar variation 2423721 (VCV002423721.3).